The following is an entry in ClinVar:

ClinVar aggregate classification (germline): Pathogenic (1 of 4 stars; one submission).

Conditions:
Hereditary breast ovarian cancer syndrome. Also called: Breast and ovarian cancer; BRCA1- and BRCA2-Associated Hereditary Breast and Ovarian Cancer; Hereditary breast and ovarian cancer; Hereditary breast and ovarian cancer syndrome (HBOC); Hereditary breast and/or ovarian cancer syndrome; Hereditary breast and ovarian cancer syndrome. Identifiers: Orphanet 145, MedGen C0677776, MeSH D061325, MONDO:0003582. Disease mechanism: loss of function.

Submission:

Labcorp Genetics (formerly Invitae), Labcorp
Classification: Pathogenic for Hereditary breast ovarian cancer syndrome. Last evaluated: 2021-07-22. Review status: criteria provided, single submitter. Criteria: Invitae Variant Classification Sherloc (09022015). Collection method: clinical testing. Allele origin: germline.
Comment: For these reasons, this variant has been classified as Pathogenic. This variant has not been reported in the literature in individuals affected with BRCA2-related conditions. This variant is not present in population databases (ExAC no frequency). This sequence change creates a premature translational stop signal (p.Trp2619Glyfs*29) in the BRCA2 gene. It is expected to result in an absent or disrupted protein product. Loss-of-function variants in BRCA2 are known to be pathogenic (PMID: 20104584).

Literature cited by the submitters: PubMed 20104584.

NM_000059.4(BRCA2):c.7855del (p.Trp2619fs)

Gene: BRCA2 (BRCA2 DNA repair associated; plus strand). Cytogenetic location: 13q13.1.
Variant type: Deletion.
Coding change: c.7855del on transcript NM_000059.4 (MANE Select); coding-DNA position 7855, one base deleted (T; older notation c.7855delT).
Protein change: p.Trp2619fs; shifts the reading frame from tryptophan 2619.
Molecular consequence: frameshift variant.
Genome position (GRCh38, 1-based): chr13:32,362,572, T deleted; the last of 3 consecutive T bases (chr13:32,362,570-32,362,572); deleting any one gives the same sequence. VCF-style (leftmost placement, unchanged base first): chr13-32362569-AT-A. GRCh37 (hg19) VCF-style: chr13-32936706-AT-A.
Other names: short protein forms W2619fs.
Identifiers: ClinVar variation 858469 (VCV000858469.8), dbSNP rs587781665, ClinGen allele CA916080524.
Genomic context (GRCh38, chr13:32,362,569, plus strand): 5'-TTTTATTTGTTCAGGGCTCTGTGTGACACTCCAGGTGTGGATCCAAAGCTTATTTCTAGA[AT>A]TTGGGTTTATAATCACTATAGATGGATCATATGGAAACTGGCAGCTATGGAATGTGCCTT-3'